The following is an entry in ClinVar:

NM_020822.3(KCNT1):c.1652G>A (p.Arg551His)

Gene: KCNT1 (potassium sodium-activated channel subfamily T member 1; plus strand). Cytogenetic location: 9q34.3.
Variant type: single nucleotide variant.
Coding change: c.1652G>A on transcript NM_020822.3 (MANE Select); coding-DNA position 1652, G replaced by A.
Protein change: p.Arg551His; replaces arginine 551 with histidine.
Molecular consequence: missense variant.
Genome position (GRCh38, 1-based): chr9:135,770,330, G>A. VCF-style: chr9-135770330-G-A. GRCh37 (hg19) VCF-style: chr9-138662176-G-A.
Other names: c.1517G>A, p.Arg506His (NM_001272003.2); short protein forms R506H, R551H.
Identifiers: ClinVar variation 646949 (VCV000646949.11), dbSNP rs567764094, ClinGen allele CA5327018.
Genomic context (GRCh38, chr9:135,770,330, plus strand): 5'-GCTCCCCTGGCCCCGCCCTGGCCCACAGGGAGGGACAGGAGTCTCCGGAGCAGTGGCAGC[G>A]CATGTATGGGCGCTGCTCCGGCAACGAGGTGTACCACATCCGCATGGGTGACAGCAAGTT-3'
Protein context (NP_065873.2, residues 541-561): EGQESPEQWQ[Arg551His]MYGRCSGNEV

ClinVar aggregate classification (germline): Uncertain significance (1 of 4 stars; one submission).

Conditions:
Developmental and epileptic encephalopathy, 14 (DEE14). Also called: Early infantile epileptic encephalopathy 14. Identifiers: Orphanet 293181, MedGen C3554195, MONDO:0013989, OMIM 614959.
Autosomal dominant nocturnal frontal lobe epilepsy 5. Also called: Epilepsy, nocturnal frontal lobe, 5; KCNT1-Related Epilepsy; CILIARY DYSKINESIA, PRIMARY, 28, WITHOUT SITUS INVERSUS; CILIARY DYSKINESIA, PRIMARY, 28, WITH SITUS INVERSUS. Identifiers: Orphanet 98784, MedGen C3554306, MONDO:0014002, OMIM 615005.

Allele frequency attached by ClinVar (database versions not stated): gnomAD exomes below 0.00001; ExAC 0.00001; gnomAD 0.00001; 1000 Genomes Project 30x 0.00016; 1000 Genomes Project 0.00020.
gnomAD v4.1: 5 of 1,610,964 alleles (0.00031%); highest among the groups gnomAD compares: African/African-American, 0.0013%; no homozygotes.

Submission:

Labcorp Genetics (formerly Invitae), Labcorp
Classification: Uncertain significance for Autosomal dominant nocturnal frontal lobe epilepsy 5; Developmental and epileptic encephalopathy, 14. Last evaluated: 2020-02-22. Review status: criteria provided, single submitter. Criteria: Invitae Variant Classification Sherloc (09022015). Collection method: clinical testing. Allele origin: germline.
Comment: In summary, the available evidence is currently insufficient to determine the role of this variant in disease. Therefore, it has been classified as a Variant of Uncertain Significance. Algorithms developed to predict the effect of missense changes on protein structure and function are either unavailable or do not agree on the potential impact of this missense change (SIFT: "Deleterious"; PolyPhen-2: "Benign"; Align-GVGD: "Class C0"). This variant has not been reported in the literature in individuals with KCNT1-related conditions. This variant is present in population databases (rs567764094, ExAC 0.01%). This sequence change replaces arginine with histidine at codon 551 of the KCNT1 protein (p.Arg551His). The arginine residue is moderately conserved and there is a small physicochemical difference between arginine and histidine.